The following is an entry in ClinVar:

ClinVar aggregate classification (germline): Uncertain significance (1 of 4 stars; one submission).

Conditions:
Inborn genetic diseases. Identifiers: MedGen C0950123, MeSH D030342.

gnomAD v4.1: 4 of 1,613,864 alleles (0.00025%); highest among the groups gnomAD compares: African/African-American, 0.004%; no homozygotes.

Submission:

Ambry Genetics
Classification: Uncertain significance for Inborn genetic diseases. Last evaluated: 2026-06-15. Review status: criteria provided, single submitter. Criteria: Ambry Variant Classification Scheme 2023. Collection method: clinical testing. Allele origin: germline.
Comment: The c.3752C>A (p.P1251H) alteration is located in exon 23 (coding exon 23) of the CUX1 gene. This alteration results from a C to A substitution at nucleotide position 3752, causing the proline (P) at amino acid position 1251 to be replaced by a histidine (H). Based on data from gnomAD, the A allele has an overall frequency of <0.001% (1/250072) total alleles studied. The highest observed frequency was <0.001% (/) of alleles. Based on insufficient or conflicting evidence, the clinical significance of this alteration remains unclear.

NM_181552.4(CUX1):c.3719C>A (p.Pro1240His)

Gene: CUX1 (cut like homeobox 1; plus strand). Cytogenetic location: 7q22.1.
Variant type: single nucleotide variant.
Coding change: c.3719C>A on transcript NM_181552.4 (MANE Select); coding-DNA position 3719, C replaced by A.
Protein change: p.Pro1240His; replaces proline 1240 with histidine.
Molecular consequence: missense variant. On other transcripts: intron variant (5).
Genome position (GRCh38, 1-based): chr7:102,239,416, C>A. VCF-style: chr7-102239416-C-A. GRCh37 (hg19) VCF-style: chr7-101882696-C-A.
Other names: c.3752C>A, p.Pro1251His (NM_001202543.2); c.1256-33950C>A (NM_001913.5); c.1250-33950C>A (NM_181500.4); c.1118-33950C>A (NM_001202545.3); c.1208-33950C>A (NM_001202544.3); c.1139-33950C>A (NM_001202546.3); short protein forms P1251H, P1240H.
Identifiers: ClinVar variation 5035075 (VCV005035075.1).